The following is an entry in ClinVar:

NM_004589.4(SCO1):c.396C>G (p.Gly132=)

Gene: SCO1 (synthesis of cytochrome C oxidase 1; minus strand). Cytogenetic location: 17p13.1.
Variant type: single nucleotide variant.
Coding change: c.396C>G on transcript NM_004589.4 (MANE Select); coding-DNA position 396, C replaced by G.
Protein change: p.Gly132=; no amino-acid change (glycine 132 retained).
Molecular consequence: synonymous variant.
Genome position (GRCh38, 1-based): chr17:10,692,930, G>C on the plus strand (C>G on the coding strand, the complement: SCO1 is on the minus strand). VCF-style: chr17-10692930-G-C. GRCh37 (hg19) VCF-style: chr17-10596247-G-C.
Identifiers: ClinVar variation 386432 (VCV000386432.1), dbSNP rs1057522501, ClinGen allele CA16607512.

ClinVar aggregate classification (germline): Likely benign (1 of 4 stars; one submission).

Allele frequency attached by ClinVar (database versions not stated): TOPMed below 0.00001; gnomAD exomes 0.00003.
gnomAD v4.1: 26 of 1,614,112 alleles (0.0016%); highest among the groups gnomAD compares: Non-Finnish European, 0.0022%; no homozygotes.

Submission:

GeneDx
Classification: Likely benign. Last evaluated: 2016-05-26. Review status: criteria provided, single submitter. Criteria: GeneDx Variant Classification (06012015). Collection method: clinical testing. Allele origin: germline. Affected: yes.
Comment: This variant is considered likely benign or benign based on one or more of the following criteria: it is a conservative change, it occurs at a poorly conserved position in the protein, it is predicted to be benign by multiple in silico algorithms, and/or has population frequency not consistent with disease.